The following is an entry in ClinVar:

ClinVar aggregate classification (germline): Uncertain significance (1 of 4 stars; one submission).

gnomAD v4.1: 3 of 1,614,224 alleles (0.00019%); highest among the groups gnomAD compares: East Asian, 0.0022%; no homozygotes.

Submission:

Labcorp Genetics (formerly Invitae), Labcorp
Classification: Uncertain significance. Last evaluated: 2022-01-17. Review status: criteria provided, single submitter. Criteria: Invitae Variant Classification Sherloc (09022015). Collection method: clinical testing. Allele origin: germline.
Comment: This sequence change replaces alanine, which is neutral and non-polar, with threonine, which is neutral and polar, at codon 5 of the TPP1 protein (p.Ala5Thr). This variant is present in population databases (no rsID available, gnomAD 0.006%). This variant has not been reported in the literature in individuals affected with TPP1-related conditions. Advanced modeling of protein sequence and biophysical properties (such as structural, functional, and spatial information, amino acid conservation, physicochemical variation, residue mobility, and thermodynamic stability) performed at Invitae indicates that this missense variant is not expected to disrupt TPP1 protein function. In summary, the available evidence is currently insufficient to determine the role of this variant in disease. Therefore, it has been classified as a Variant of Uncertain Significance.

NM_000391.4(TPP1):c.13G>A (p.Ala5Thr)

Gene: TPP1 (tripeptidyl peptidase 1; minus strand). Cytogenetic location: 11p15.4.
Variant type: single nucleotide variant.
Coding change: c.13G>A on transcript NM_000391.4 (MANE Select); coding-DNA position 13, G replaced by A.
Protein change: p.Ala5Thr; replaces alanine 5 with threonine.
Molecular consequence: missense variant.
Genome position (GRCh38, 1-based): chr11:6,619,388, C>T on the plus strand (G>A on the coding strand, the complement: TPP1 is on the minus strand). VCF-style: chr11-6619388-C-T. GRCh37 (hg19) VCF-style: chr11-6640619-C-T.
Other names: short protein forms A5T.
Identifiers: ClinVar variation 2174722 (VCV002174722.1), dbSNP rs1216441144, ClinGen allele CA379477100.
Genomic context (GRCh38, chr11:6,619,388, plus strand): 5'-CAATGTGTGCTCCCTCCAACGTGATCCCTTTCTCCCGAGCCCTCTCAATTTCTCACCAGG[C>T]TTGGAGTCCCATTCTGCCCTTCCGCGGATCTGCTGTCATGTGACGGATCACATGAGCTCT-3'
Protein context (NP_000382.3, residues 1-15): MGLQ[Ala5Thr]CLLGLFALIL